The following is an entry in ClinVar:

ClinVar aggregate classification (germline): Uncertain significance (1 of 4 stars; one submission).

Submission:

Dasa
Classification: Uncertain significance. Last evaluated: 2025-02-18. Review status: criteria provided, single submitter. Criteria: DASA Assertion Criteria. Collection method: clinical testing. Allele origin: germline.
Comment: NM_032444.4(SLX4):c.5245G>T (p.Ala1749Ser) is a missense variant that results in the substitution of alanine with serine. This variant is rare in population databases. The currently available literature and clinical evidence are not sufficient to establish a definitive association between this variant and the reported condition. Therefore, this variant is classified as a variant of uncertain significance.

NM_032444.4(SLX4):c.5245G>T (p.Ala1749Ser)

Gene: SLX4 (SLX4 structure-specific endonuclease subunit; minus strand). Cytogenetic location: 16p13.3.
Variant type: single nucleotide variant.
Coding change: c.5245G>T on transcript NM_032444.4 (MANE Select); coding-DNA position 5245, G replaced by T.
Protein change: p.Ala1749Ser; replaces alanine 1749 with serine.
Molecular consequence: missense variant.
Genome position (GRCh38, 1-based): chr16:3,582,602, C>A on the plus strand (G>T on the coding strand, the complement: SLX4 is on the minus strand). VCF-style: chr16-3582602-C-A. GRCh37 (hg19) VCF-style: chr16-3632603-C-A.
Other names: short protein forms A1749S.
Identifiers: ClinVar variation 4883180 (VCV004883180.2).